The following is an entry in ClinVar:

ClinVar aggregate classification (germline): Uncertain significance (1 of 4 stars; one submission).

Submission:

Mayo Clinic Laboratories, Mayo Clinic
Classification: Uncertain significance. Last evaluated: 2025-03-26. Review status: criteria provided, single submitter. Criteria: ACMG Guidelines, 2015. Collection method: clinical testing. Allele origin: germline. Observed: 1 variant allele.
Comment: PP3_moderate, PM1, PM2_supporting

NM_001382567.1(STIM1):c.684G>C (p.Trp228Cys)

Gene: STIM1 (stromal interaction molecule 1; plus strand). Cytogenetic location: 11p15.4.
Variant type: single nucleotide variant.
Coding change: c.684G>C on transcript NM_001382567.1 (MANE Select); coding-DNA position 684, G replaced by C.
Protein change: p.Trp228Cys; replaces tryptophan 228 with cysteine.
Molecular consequence: missense variant. On other transcripts: non-coding transcript variant (2).
Genome position (GRCh38, 1-based): chr11:4,070,096, G>C. VCF-style: chr11-4070096-G-C. GRCh37 (hg19) VCF-style: chr11-4091326-G-C.
Other names: p.Trp228Cys; c.462G>C, p.Trp154Cys (NM_001382578.1, NM_001382579.1, NM_001382573.1 and 5 more transcripts); c.195G>C, p.Trp65Cys (NM_001382580.1, NM_001382581.1); c.684G>C, p.Trp228Cys (NM_003156.4, NM_001382568.1, NM_001382572.1 and 2 more transcripts); c.549G>C, p.Trp183Cys (NM_001382569.1); c.456G>C, p.Trp152Cys (NM_001382570.1); c.204G>C, p.Trp68Cys (NM_001382571.1); short protein forms W154C, W228C, W65C, W68C, W152C, W183C.
Identifiers: ClinVar variation 4541605 (VCV004541605.1).
Genomic context (GRCh38, chr11:4,070,096, plus strand): 5'-TAATCACCTCAAGGACTTCATGCTGGTGGTGTCTATCGTTATTGGTGTGGGCGGCTGCTG[G>C]TTTGCCTATATCCAGAACCGTTACTCCAAGGAGCACATGAAGAAGATGATGAAGGACTTG-3'
Protein context (NP_001369496.1, residues 218-238): VSIVIGVGGC[Trp228Cys]FAYIQNRYSK